The following is an entry in ClinVar:

ClinVar aggregate classification (germline): Uncertain significance (1 of 4 stars; one submission).

gnomAD v4.1: 1 of 1,612,616 alleles (0.000062%); highest among the groups gnomAD compares: Non-Finnish European, 0.000085%; no homozygotes.

Submission:

Ambry Genetics
Classification: Uncertain significance. Last evaluated: 2021-11-22. Review status: criteria provided, single submitter. Criteria: Ambry Variant Classification Scheme 2023. Collection method: clinical testing. Allele origin: germline.
Comment: The p.G951A variant (also known as c.2852G>C), located in coding exon 25 of the PRKDC gene, results from a G to C substitution at nucleotide position 2852. The glycine at codon 951 is replaced by alanine, an amino acid with similar properties. This amino acid position is conserved. In addition, this alteration is predicted to be tolerated by in silico analysis. Since supporting evidence is limited at this time, the clinical significance of this alteration remains unclear.

NM_006904.7(PRKDC):c.2852G>C (p.Gly951Ala)

Gene: PRKDC (protein kinase, DNA-activated, catalytic subunit; minus strand). Cytogenetic location: 8q11.21.
Variant type: single nucleotide variant.
Coding change: c.2852G>C on transcript NM_006904.7 (MANE Select); coding-DNA position 2852, G replaced by C.
Protein change: p.Gly951Ala; replaces glycine 951 with alanine.
Molecular consequence: missense variant.
Genome position (GRCh38, 1-based): chr8:47,912,492, C>G on the plus strand (G>C on the coding strand, the complement: PRKDC is on the minus strand). VCF-style: chr8-47912492-C-G. GRCh37 (hg19) VCF-style: chr8-48825052-C-G.
Other names: c.2852G>C, p.Gly951Ala (NM_001081640.2); short protein forms G951A.
Identifiers: ClinVar variation 1796854 (VCV001796854.2), dbSNP rs1282565322, ClinGen allele CA371158824.
Genomic context (GRCh38, chr8:47,912,492, plus strand): 5'-CGAAGCAGCACAGGAAACGTCCGCTTATAGAGCTGGTACATGGGTGGGGCTCCCTGTCCC[C>G]CTTCTGGCATCTGCGTGGCTTTGCCCAACATAAACATAACCATGCTATGTAAAAGTTCAC-3'
Protein context (NP_008835.5, residues 941-961): MLGKATQMPE[Gly951Ala]GQGAPPMYQL